The following is an entry in ClinVar:

NM_001374736.1(DST):c.14261C>A (p.Pro4754His)

Genes: DST (dystonin; minus strand), LOC129389544 (MPRA-validated peak5860 silencer; plus strand). Cytogenetic location: 6p12.1.
Variant type: single nucleotide variant.
Coding change: c.14261C>A on transcript NM_001374736.1 (MANE Select); coding-DNA position 14261, C replaced by A.
Protein change: p.Pro4754His; replaces proline 4754 with histidine.
Molecular consequence: missense variant.
Genome position (GRCh38, 1-based): chr6:56,561,357, G>T on the plus strand (C>A on the coding strand, the complement: DST is on the minus strand). VCF-style: chr6-56561357-G-T. GRCh37 (hg19) VCF-style: chr6-56426155-G-T.
Other names: p.Pro2131His; c.7904C>A, p.Pro2635His (NM_001144769.5); c.7490C>A, p.Pro2497His (NM_001144770.2); c.14261C>A, p.Pro4754His (NM_001374722.1); c.13628C>A, p.Pro4543His (NM_001374729.1); c.7370C>A, p.Pro2457His (NM_001374730.1, NM_001386100.1, NM_183380.4); c.14288C>A, p.Pro4763His (NM_001374734.1); c.6392C>A, p.Pro2131His (NM_015548.5); short protein forms P2457H, P2635H, P4543H, P4754H, P2131H, P2497H, P4763H.
Identifiers: ClinVar variation 4541176 (VCV004541176.1).

ClinVar aggregate classification (germline): Uncertain significance (1 of 4 stars; one submission).

gnomAD v4.1: 4 of 1,613,746 alleles (0.00025%); highest among the groups gnomAD compares: Non-Finnish European, 0.00034%; no homozygotes.

Submission:

Mayo Clinic Laboratories, Mayo Clinic
Classification: Uncertain significance. Last evaluated: 2025-05-13. Review status: criteria provided, single submitter. Criteria: ACMG Guidelines, 2015. Collection method: clinical testing. Allele origin: germline. Observed: 1 variant allele.
Comment: BP4_moderate, PM2_supporting